The following is an entry in ClinVar:

NM_000400.4(ERCC2):c.980A>G (p.Glu327Gly)

Gene: ERCC2 (ERCC excision repair 2, TFIIH core complex helicase subunit; minus strand). Cytogenetic location: 19q13.32.
Variant type: single nucleotide variant.
Coding change: c.980A>G on transcript NM_000400.4 (MANE Select); coding-DNA position 980, A replaced by G.
Protein change: p.Glu327Gly; replaces glutamic acid 327 with glycine.
Molecular consequence: missense variant.
Genome position (GRCh38, 1-based): chr19:45,363,881, T>C on the plus strand (A>G on the coding strand, the complement: ERCC2 is on the minus strand). VCF-style: chr19-45363881-T-C. GRCh37 (hg19) VCF-style: chr19-45867139-T-C.
Other names: c.908A>G, p.Glu303Gly (NM_001130867.2); short protein forms E303G, E327G.
Identifiers: ClinVar variation 2171335 (VCV002171335.2), dbSNP rs779381865, ClinGen allele CA9513553.

ClinVar aggregate classification (germline): Uncertain significance. Review status: criteria provided, multiple submitters, no conflicts (2 of 4 stars). 2 submissions from 2 submitters: Uncertain significance (2). Last evaluated 2024-03-19.

Conditions:
Cerebrooculofacioskeletal syndrome 2 (COFS2). Identifiers: MedGen C1853102, MONDO:0012553, OMIM 610756.
Xeroderma pigmentosum, group D (XPD). Also called: ERCC2-Related Xeroderma Pigmentosum; XERODERMA PIGMENTOSUM, COMPLEMENTATION GROUP D; XERODERMA PIGMENTOSUM IV; XP, GROUP D; XP, GROUP H. Identifiers: MedGen C0268138, MONDO:0010212, OMIM 278730.
Trichothiodystrophy 1, photosensitive (TTD1). Also called: TAY SYNDROME; TRICHOTHIODYSTROPHY WITH CONGENITAL ICHTHYOSIS; PIBIDS SYNDROME. Identifiers: Orphanet 33364, MedGen C1866504, MONDO:0011125, OMIM 601675.

Allele frequency attached by ClinVar (database versions not stated): TOPMed below 0.00001.
gnomAD v4.1: 3 of 1,550,936 alleles (0.00019%); highest among the groups gnomAD compares: Admixed American, 0.0057%; no homozygotes.

Submissions (2):

Fulgent Genetics
Classification: Uncertain significance for Xeroderma pigmentosum, group D; Trichothiodystrophy 1, photosensitive; Cerebrooculofacioskeletal syndrome 2. Last evaluated: 2024-03-19. Review status: criteria provided, single submitter. Criteria: ACMG Guidelines, 2015. Collection method: clinical testing. Allele origin: germline.

Labcorp Genetics (formerly Invitae), Labcorp
Classification: Uncertain significance. Last evaluated: 2022-08-21. Review status: criteria provided, single submitter. Criteria: Invitae Variant Classification Sherloc (09022015). Collection method: clinical testing. Allele origin: germline.
Comment: This sequence change replaces glutamic acid, which is acidic and polar, with glycine, which is neutral and non-polar, at codon 327 of the ERCC2 protein (p.Glu327Gly). The frequency data for this variant in the population databases is considered unreliable, as metrics indicate poor data quality at this position in the gnomAD database. This variant has not been reported in the literature in individuals affected with ERCC2-related conditions. Algorithms developed to predict the effect of missense changes on protein structure and function are either unavailable or do not agree on the potential impact of this missense change (SIFT: "Deleterious"; PolyPhen-2: "Possibly Damaging"; Align-GVGD: "Class C0"). In summary, the available evidence is currently insufficient to determine the role of this variant in disease. Therefore, it has been classified as a Variant of Uncertain Significance.